The following is an entry in ClinVar:

ClinVar aggregate classification (germline): Benign/Likely benign. Review status: criteria provided, multiple submitters, no conflicts (2 of 4 stars). 4 submissions from 4 submitters: Benign (1); Likely benign (3). Last evaluated 2025-10-13.

Conditions:
Hereditary cancer-predisposing syndrome. Also called: Hereditary Cancer Syndrome; Hereditary neoplastic syndrome; Neoplastic Syndromes, Hereditary; Tumor predisposition. Identifiers: Orphanet 140162, MedGen C0027672, MeSH D009386, MONDO:0015356.
Oligodontia-cancer predisposition syndrome. Also called: TOOTH AGENESIS-COLORECTAL CANCER SYNDROME. Identifiers: Orphanet 300576, MedGen C1837750, MONDO:0012075, OMIM 608615. Disease mechanism: loss of function.

Allele frequency attached by ClinVar (database versions not stated): gnomAD 0.00001.
gnomAD v4.1: 2 of 1,611,056 alleles (0.00012%); highest among the groups gnomAD compares: Non-Finnish European, 0.00017%; no homozygotes.

Submissions (4):

Labcorp Genetics (formerly Invitae), Labcorp
Classification: Likely benign for Oligodontia-cancer predisposition syndrome. Last evaluated: 2025-10-13. Review status: criteria provided, single submitter. Criteria: Invitae Variant Classification Sherloc (09022015). Collection method: clinical testing. Allele origin: germline.

Myriad Genetics, Inc.
Classification: Benign for Oligodontia-cancer predisposition syndrome. Last evaluated: 2024-07-08. Review status: criteria provided, single submitter. Criteria: Myriad Autosomal Dominant, Autosomal Recessive and X-Linked Classification Criteria (2023). Collection method: clinical testing. Allele origin: unknown.
Comment: This variant is considered benign. This variant is a silent/synonymous amino acid change and it is not expected to impact splicing.

Sema4
Classification: Likely benign for Hereditary cancer-predisposing syndrome. Last evaluated: 2021-07-21. Review status: criteria provided, single submitter. Criteria: Sema4 Curation Guidelines. Collection method: curation. Allele origin: germline.

Ambry Genetics
Classification: Likely benign for Hereditary cancer-predisposing syndrome. Last evaluated: 2021-01-04. Review status: criteria provided, single submitter. Criteria: Ambry Variant Classification Scheme 2023. Collection method: clinical testing. Allele origin: germline.

NM_004655.4(AXIN2):c.1764G>C (p.Pro588=)

Gene: AXIN2 (axin 2; minus strand). Cytogenetic location: 17q24.1.
Variant type: single nucleotide variant.
Coding change: c.1764G>C on transcript NM_004655.4 (MANE Select); coding-DNA position 1764, G replaced by C.
Protein change: p.Pro588=; no amino-acid change (proline 588 retained).
Molecular consequence: synonymous variant. On other transcripts: intron variant (1).
Genome position (GRCh38, 1-based): chr17:65,537,012, C>G on the plus strand (G>C on the coding strand, the complement: AXIN2 is on the minus strand). VCF-style: chr17-65537012-C-G. GRCh37 (hg19) VCF-style: chr17-63533130-C-G.
Other names: c.1712+312G>C (NM_001363813.1).
Identifiers: ClinVar variation 757214 (VCV000757214.12), dbSNP rs1437268396, ClinGen allele CA501691148.